The following is an entry in ClinVar:

NM_000089.4(COL1A2):c.1543_1551dup (p.Gly517_Ala518insLeuAlaGly)

Gene: COL1A2 (collagen type I alpha 2 chain; plus strand). Cytogenetic location: 7q21.3.
Variant type: Duplication.
Coding change: c.1543_1551dup on transcript NM_000089.4 (MANE Select); coding-DNA positions 1543 to 1551, 9 bases duplicated (CTTGCTGGT; older notation c.1543_1551dupCTTGCTGGT).
Protein change: p.Gly517_Ala518insLeuAlaGly.
Molecular consequence: inframe insertion.
Genome position (GRCh38, 1-based): chr7:94,413,122-94,413,130, CTTGCTGGT duplicated; duplicating any 9 consecutive bases within chr7:94,413,115-94,413,130 gives the same sequence; the c. name uses the placement nearest the transcript's 3' end. VCF-style (leftmost placement, unchanged base first): chr7-94413114-A-ATGCTGGTCT. GRCh37 (hg19) VCF-style: chr7-94042426-A-ATGCTGGTCT.
Identifiers: ClinVar variation 3756090 (VCV003756090.2).

ClinVar aggregate classification (germline): Likely pathogenic (1 of 4 stars; one submission).

Conditions:
Ehlers-Danlos syndrome, classic type, 1 (EDSCL1). Also called: EHLERS-DANLOS SYNDROME, GRAVIS TYPE; EHLERS-DANLOS SYNDROME, SEVERE CLASSIC TYPE; Ehlers-Danlos syndrome, type 1; Ehlers-Danlos Syndrome, Classic Type, COL5A1-Related; EDS I. Identifiers: MedGen C0268335, MONDO:0019567, OMIM 130000.
Osteogenesis imperfecta type I (OI1). Also called: OI, TYPE I; OSTEOGENESIS IMPERFECTA TARDA; OSTEOGENESIS IMPERFECTA WITH BLUE SCLERAE; Osteogenesis imperfecta type 1; Lobstein's Disease; Lobstein disease. Identifiers: Orphanet 216796, Orphanet 666, MedGen C0023931, MONDO:0008146, OMIM 166200. Disease mechanism: loss of function.

Submission:

Labcorp Genetics (formerly Invitae), Labcorp
Classification: Likely pathogenic for Osteogenesis imperfecta type I; Ehlers-Danlos syndrome, classic type, 1. Last evaluated: 2024-09-04. Review status: criteria provided, single submitter. Criteria: Invitae Variant Classification Sherloc (09022015). Collection method: clinical testing. Allele origin: germline.
Comment: This variant, c.1543_1551dup, results in the insertion of 3 amino acid(s) of the COL1A2 protein (p.Leu515_Gly517dup), but otherwise preserves the integrity of the reading frame. This variant is not present in population databases (gnomAD no frequency). This variant has been observed in individual(s) with clinical features of osteogenesis imperfecta (internal data). In at least one individual the variant was observed to be de novo. Experimental studies and prediction algorithms are not available or were not evaluated, and the functional significance of this variant is currently unknown. In summary, the currently available evidence indicates that the variant is pathogenic, but additional data are needed to prove that conclusively. Therefore, this variant has been classified as Likely Pathogenic.